The following is an entry in ClinVar:

ClinVar aggregate classification (germline): Likely benign. Review status: criteria provided, multiple submitters, no conflicts (2 of 4 stars). 2 submissions from 2 submitters: Likely benign (2). Last evaluated 2018-06-14.

Allele frequency attached by ClinVar (database versions not stated): gnomAD exomes 0.01532; gnomAD 0.01553 and 0.01708; TOPMed 0.01932; 1000 Genomes Project 30x 0.03841; 1000 Genomes Project 0.04054.
gnomAD v4.1: 23,827 of 1,517,144 alleles (1.6%); highest among the groups gnomAD compares: East Asian, 11%; 569 homozygotes.

Submissions (2):

GeneDx
Classification: Likely benign. Last evaluated: 2018-06-14. Review status: criteria provided, single submitter. Criteria: GeneDx Variant Classification (06012015). Collection method: clinical testing. Allele origin: germline. Affected: yes.
Comment: This variant is considered likely benign or benign based on one or more of the following criteria: it is a conservative change, it occurs at a poorly conserved position in the protein, it is predicted to be benign by multiple in silico algorithms, and/or has population frequency not consistent with disease.

Breakthrough Genomics
Classification: Likely benign. Review status: criteria provided, single submitter. Criteria: ACMG Guidelines, 2015. Collection method: not provided. Allele origin: germline. Inheritance: Autosomal dominant inheritance. Affected: yes.

NM_000138.5(FBN1):c.4583-92C>T

Gene: FBN1 (fibrillin 1; minus strand). Cytogenetic location: 15q21.1.
Variant type: single nucleotide variant.
Coding change: c.4583-92C>T on transcript NM_000138.5 (MANE Select); 92 bases into the intron before coding-DNA position 4583, C replaced by T.
Molecular consequence: intron variant.
Genome position (GRCh38, 1-based): chr15:48,468,194, G>A on the plus strand (C>T on the coding strand, the complement: FBN1 is on the minus strand). VCF-style: chr15-48468194-G-A. GRCh37 (hg19) VCF-style: chr15-48760391-G-A.
Identifiers: ClinVar variation 674505 (VCV000674505.2), dbSNP rs2279234, ClinGen allele CA269551986.